The following is an entry in ClinVar:

NM_020944.3(GBA2):c.452-1G>A

Gene: GBA2 (glucosylceramidase beta 2; minus strand). Cytogenetic location: 9p13.3.
Variant type: single nucleotide variant.
Coding change: c.452-1G>A on transcript NM_020944.3 (MANE Select); the canonical splice acceptor site of the intron before coding-DNA position 452, G replaced by A.
Molecular consequence: splice acceptor variant.
Genome position (GRCh38, 1-based): chr9:35,744,413, C>T on the plus strand (G>A on the coding strand, the complement: GBA2 is on the minus strand). VCF-style: chr9-35744413-C-T. GRCh37 (hg19) VCF-style: chr9-35744410-C-T.
Other names: c.452-1G>A (NM_001330660.2).
Identifiers: ClinVar variation 4881519 (VCV004881519.2).

ClinVar aggregate classification (germline): Likely pathogenic (1 of 4 stars; one submission).

Conditions:
Hereditary spastic paraplegia 46. Also called: Spastic paraplegia 46, autosomal recessive. Identifiers: Orphanet 320391, MedGen C2828721, MONDO:0013737, OMIM 614409.

Submission:

Dasa
Classification: Likely pathogenic for Hereditary spastic paraplegia 46. Last evaluated: 2025-02-06. Review status: criteria provided, single submitter. Criteria: DASA Assertion Criteria. Collection method: clinical testing. Allele origin: germline.
Comment: NM_020944.3(GBA2):c.452-1G>A affects a canonical splice site and is predicted to disrupt normal RNA splicing. Loss of function is an established disease mechanism for GBA2-associated disorders. Also, this variant is absent from population databases. Based on the currently available evidence, this variant is classified as likely pathogenic.